The following is an entry in ClinVar:

ClinVar aggregate classification (germline): Uncertain significance (1 of 4 stars; one submission).

Conditions:
Singleton-Merten syndrome 1 (SGMRT1). Also called: Syndrome of widened medullary cavities of the metacarpals and phalanges, aortic calcification and abnormal dentition; Widened medullary cavities of bone, aortic calcification, abnormal dentition, and muscular weakness. Identifiers: Orphanet 85191, MedGen C4225427, MONDO:0024535, OMIM 182250.
Aicardi-Goutieres syndrome 7 (AGS7). Identifiers: Orphanet 51, MedGen C3888244, MONDO:0014367, OMIM 615846.

gnomAD v4.1: 2 of 1,613,952 alleles (0.00012%); highest among the groups gnomAD compares: Non-Finnish European, 0.000085%; no homozygotes.

Submission:

Labcorp Genetics (formerly Invitae), Labcorp
Classification: Uncertain significance for Aicardi-Goutieres syndrome 7; Singleton-Merten syndrome 1. Last evaluated: 2025-03-31. Review status: criteria provided, single submitter. Criteria: Invitae Variant Classification Sherloc (09022015). Collection method: clinical testing. Allele origin: germline.
Comment: This sequence change replaces methionine, which is neutral and non-polar, with lysine, which is basic and polar, at codon 240 of the IFIH1 protein (p.Met240Lys). This variant is present in population databases (rs780014267, gnomAD 0.002%). This variant has not been reported in the literature in individuals affected with IFIH1-related conditions. Invitae Evidence Modeling of protein sequence and biophysical properties (such as structural, functional, and spatial information, amino acid conservation, physicochemical variation, residue mobility, and thermodynamic stability) has been performed for this missense variant. However, the output from this modeling did not meet the statistical confidence thresholds required to predict the impact of this variant on IFIH1 protein function. In summary, the available evidence is currently insufficient to determine the role of this variant in disease. Therefore, it has been classified as a Variant of Uncertain Significance.

NM_022168.4(IFIH1):c.719T>A (p.Met240Lys)

Gene: IFIH1 (interferon induced with helicase C domain 1; minus strand). Cytogenetic location: 2q24.2.
Variant type: single nucleotide variant.
Coding change: c.719T>A on transcript NM_022168.4 (MANE Select); coding-DNA position 719, T replaced by A.
Protein change: p.Met240Lys; replaces methionine 240 with lysine.
Molecular consequence: missense variant.
Genome position (GRCh38, 1-based): chr2:162,306,759, A>T on the plus strand (T>A on the coding strand, the complement: IFIH1 is on the minus strand). VCF-style: chr2-162306759-A-T. GRCh37 (hg19) VCF-style: chr2-163163269-A-T.
Other names: short protein forms M240K.
Identifiers: ClinVar variation 3752213 (VCV003752213.2).
Genomic context (GRCh38, chr2:162,306,759, plus strand): 5'-TTTCAAGTACCTGAAACTACAGAAGAATCTGCAAAAGATGATTCTGATGAGTTATTCTCC[A>T]TGCCCCAGACCTCCTTCTCCAGATTTGGCTGAACTGTGGTTGAAAGAAGTTGCTCTTCCA-3'
Protein context (NP_071451.2, residues 230-250): QPNLEKEVWG[Met240Lys]ENNSSESSFA